The following is an entry in ClinVar:

ClinVar aggregate classification (germline): Uncertain significance (1 of 4 stars; one submission).

Submission:

Labcorp Genetics (formerly Invitae), Labcorp
Classification: Uncertain significance. Last evaluated: 2022-03-18. Review status: criteria provided, single submitter. Criteria: Invitae Variant Classification Sherloc (09022015). Collection method: clinical testing. Allele origin: germline.
Comment: This sequence change replaces lysine, which is basic and polar, with isoleucine, which is neutral and non-polar, at codon 1176 of the ERBB4 protein (p.Lys1176Ile). This variant is not present in population databases (gnomAD no frequency). This variant has not been reported in the literature in individuals affected with ERBB4-related conditions. Algorithms developed to predict the effect of missense changes on protein structure and function are either unavailable or do not agree on the potential impact of this missense change (SIFT: "Deleterious"; PolyPhen-2: "Benign"; Align-GVGD: "Class C0"). In summary, the available evidence is currently insufficient to determine the role of this variant in disease. Therefore, it has been classified as a Variant of Uncertain Significance.

NM_005235.3(ERBB4):c.3527A>T (p.Lys1176Ile)

Gene: ERBB4 (erb-b2 receptor tyrosine kinase 4; minus strand). Cytogenetic location: 2q34.
Variant type: single nucleotide variant.
Coding change: c.3527A>T on transcript NM_005235.3 (MANE Select); coding-DNA position 3527, A replaced by T.
Protein change: p.Lys1176Ile; replaces lysine 1176 with isoleucine.
Molecular consequence: missense variant.
Genome position (GRCh38, 1-based): chr2:211,384,015, T>A on the plus strand (A>T on the coding strand, the complement: ERBB4 is on the minus strand). VCF-style: chr2-211384015-T-A. GRCh37 (hg19) VCF-style: chr2-212248740-T-A.
Other names: c.3479A>T, p.Lys1160Ile (NM_001042599.2); short protein forms K1160I, K1176I.
Identifiers: ClinVar variation 2113796 (VCV002113796.4), dbSNP rs2469173499, ClinGen allele CA350780281.